The following is an entry in ClinVar:

ClinVar aggregate classification (germline): Uncertain significance (1 of 4 stars; one submission).

Submission:

Ambry Genetics
Classification: Uncertain significance. Last evaluated: 2023-08-13. Review status: criteria provided, single submitter. Criteria: Ambry Variant Classification Scheme 2023. Collection method: clinical testing. Allele origin: germline.
Comment: The p.T371S variant (also known as c.1111A>T), located in coding exon 9 of the RECQL gene, results from an A to T substitution at nucleotide position 1111. The threonine at codon 371 is replaced by serine, an amino acid with similar properties. This amino acid position is conserved. In addition, this alteration is predicted to be deleterious by in silico analysis. Since supporting evidence is limited at this time, the clinical significance of this alteration remains unclear.

NM_002907.4(RECQL):c.1111A>T (p.Thr371Ser)

Gene: RECQL (RecQ like helicase; minus strand). Cytogenetic location: 12p12.1.
Variant type: single nucleotide variant.
Coding change: c.1111A>T on transcript NM_002907.4 (MANE Select); coding-DNA position 1111, A replaced by T.
Protein change: p.Thr371Ser; replaces threonine 371 with serine.
Molecular consequence: missense variant.
Genome position (GRCh38, 1-based): chr12:21,475,573, T>A on the plus strand (A>T on the coding strand, the complement: RECQL is on the minus strand). VCF-style: chr12-21475573-T-A. GRCh37 (hg19) VCF-style: chr12-21628507-T-A.
Other names: c.1111A>T, p.Thr371Ser (NM_032941.3); short protein forms T371S.
Identifiers: ClinVar variation 2586015 (VCV002586015.2), dbSNP rs2540345229, ClinGen allele CA384120882.